The following is an entry in ClinVar:

ClinVar aggregate classification (germline): Pathogenic. Review status: criteria provided, multiple submitters, no conflicts (2 of 4 stars). 10 submissions from 10 submitters: Pathogenic (9). 1 of the submissions does not count toward it. Last evaluated 2025-11-14.

Conditions:
Neurofibromatosis, type 1 (NF1). Also called: Neurofibromatosis, type I; NEUROFIBROMATOSIS, TYPE I, SOMATIC; Peripheral type neurofibromatosis; VON RECKLINGHAUSEN DISEASE. Identifiers: Orphanet 636, MedGen C0027831, MONDO:0018975, OMIM 162200. Disease mechanism: loss of function.
Hereditary cancer-predisposing syndrome. Also called: Hereditary neoplastic syndrome; Tumor predisposition; Neoplastic Syndromes, Hereditary; Hereditary Cancer Syndrome. Identifiers: Orphanet 140162, MedGen C0027672, MeSH D009386, MONDO:0015356.
Cardiovascular phenotype. Identifiers: MedGen CN230736.

Submissions (10):

Institute of Medical Genetics and Applied Genomics, University Hospital Tübingen
Classification: Pathogenic for Neurofibromatosis, type 1. Last evaluated: 2025-11-14. Review status: criteria provided, single submitter. Criteria: ACMG Guidelines, 2015. Collection method: clinical testing. Allele origin: germline. Inheritance: Autosomal dominant inheritance. Affected: yes.

NHS Central & South Genomic Laboratory Hub
Classification: Pathogenic for Neurofibromatosis type 1. Last evaluated: 2025-09-25. Review status: criteria provided, single submitter. Criteria: ACMG Guidelines, 2015. Collection method: clinical testing. Allele origin: germline. Affected: yes.

GeneDx
Classification: Pathogenic. Last evaluated: 2025-03-17. Review status: criteria provided, single submitter. Criteria: GeneDx Variant Classification Process June 2021. Collection method: clinical testing. Allele origin: germline. Affected: yes.
Comment: Nonsense variant predicted to result in protein truncation or nonsense mediated decay in a gene for which loss-of-function is a known mechanism of disease; Not observed at significant frequency in large population cohorts (gnomAD); This variant is associated with the following publications: (PMID: 23656349, 27535533, 26458495, 31776437, 31766501)

Mayo Clinic Laboratories, Mayo Clinic
Classification: Pathogenic. Last evaluated: 2024-05-07. Review status: criteria provided, single submitter. Criteria: ACMG Guidelines, 2015. Collection method: clinical testing. Allele origin: germline. Observed: 1 variant allele.
Comment: PM2, PS4_moderate, PVS1

Ambry Genetics
Classification: Pathogenic for Cardiovascular phenotype; Hereditary cancer-predisposing syndrome. Last evaluated: 2023-12-19. Review status: criteria provided, single submitter. Criteria: Ambry Variant Classification Scheme 2023. Collection method: clinical testing. Allele origin: germline.
Comment: The p.S1875* pathogenic mutation (also known as c.5624C>G), located in coding exon 38 of the NF1 gene, results from a C to G substitution at nucleotide position 5624. This changes the amino acid from a serine to a stop codon within coding exon 38. De novo occurrence of this mutation has been reported in an individual with suspected neurofibromatosis type 1 (Yao R et al. J. Dermatol., 2016 May;43:537-42). This variant is considered to be rare based on population cohorts in the Genome Aggregation Database (gnomAD). In addition to the clinical data presented in the literature, this alteration is expected to result in loss of function by premature protein truncation or nonsense-mediated mRNA decay. As such, this alteration is interpreted as a disease-causing mutation.

Labcorp Genetics (formerly Invitae), Labcorp
Classification: Pathogenic for Neurofibromatosis, type 1. Last evaluated: 2023-07-22. Review status: criteria provided, single submitter. Criteria: Invitae Variant Classification Sherloc (09022015). Collection method: clinical testing. Allele origin: germline.
Comment: This premature translational stop signal has been observed in individual(s) with diagnosis of neurofibromatosis type 1 (PMID: 26458495). This sequence change creates a premature translational stop signal (p.Ser1875*) in the NF1 gene. It is expected to result in an absent or disrupted protein product. Loss-of-function variants in NF1 are known to be pathogenic (PMID: 10712197, 23913538). This variant is not present in population databases (gnomAD no frequency). ClinVar contains an entry for this variant (Variation ID: 431663). For these reasons, this variant has been classified as Pathogenic.

Neuberg Centre For Genomic Medicine, NCGM
Classification: Pathogenic for Neurofibromatosis, type 1. Last evaluated: 2023-03-01. Review status: criteria provided, single submitter. Criteria: ACMG Guidelines, 2015. Collection method: clinical testing. Allele origin: germline. Inheritance: Autosomal dominant inheritance. Affected: yes.
Comment: The stop gained c.5687C>G (p.Ser1896Ter) variant in the NF1 gene has been observed in individual(s) with diagnosis of neurofibromatosis type 1 (Yao, Ruen et al., 2016). This variant is novel in the gnomAD Exomes and 1000 Genomes. It is submitted to ClinVar as Pathogenic. This variant is predicted to cause loss of normal protein function either through protein truncation or nonsense-mediated mRNA decay. The nucleotide change c.5687C>G in NF1 is predicted as conserved by GERP++ and PhyloP across 100 vertebrates. Loss of function variants have been previously reported to be disease causing. For these reasons, this variant has been classified as Pathogenic.

Genome-Nilou Lab
Classification: Pathogenic for Neurofibromatosis, type 1. Last evaluated: 2022-03-15. Review status: criteria provided, single submitter. Criteria: ACMG Guidelines, 2015. Collection method: clinical testing. Allele origin: germline. Affected: no.

Juno Genomics, Hangzhou Juno Genomics, Inc
Classification: Pathogenic for Neurofibromatosis, type 1. Review status: criteria provided, single submitter. Criteria: ACMG Guidelines, 2015. Collection method: clinical testing. Allele origin: germline. Affected: yes.
Comment: Absent from controls (or at extremely low frequency if recessive) in Genome Aggregation Database, Exome Sequencing Project, 1000 Genomes Project, or Exome Aggregation Consortium.;Null variant in a gene where loss of function (LOF) is a known mechanism of disease.;The prevalence of the variant in affected individuals is significantly increased compared to the prevalence in controls.;Patient's phenotype or family history is highly specific for a disease with a single genetic etiology.

Medical Genetics, University of Parma
Classification: Pathogenic for Neurofibromatosis type 1. Last evaluated: 2017-02-02. Review status: no assertion criteria provided. Collection method: clinical testing. Allele origin: germline. Affected: yes. Not counted in ClinVar's aggregate classification.

Literature cited by the submitters: PubMed 26458495 (cited by Mayo Clinic Laboratories, Mayo Clinic and Labcorp Genetics (formerly Invitae), Labcorp); PubMed 31776437 (cited by Mayo Clinic Laboratories, Mayo Clinic); PubMed 10712197 (cited by Labcorp Genetics (formerly Invitae), Labcorp); PubMed 23913538 (cited by Labcorp Genetics (formerly Invitae), Labcorp).

NM_001042492.3(NF1):c.5687C>G (p.Ser1896Ter)

Gene: NF1 (neurofibromin 1; plus strand). Cytogenetic location: 17q11.2.
Variant type: single nucleotide variant.
Coding change: c.5687C>G on transcript NM_001042492.3 (MANE Select); coding-DNA position 5687, C replaced by G.
Protein change: p.Ser1896Ter; replaces serine 1896 with a stop codon.
Molecular consequence: nonsense.
Genome position (GRCh38, 1-based): chr17:31,330,373, C>G. VCF-style: chr17-31330373-C-G. GRCh37 (hg19) VCF-style: chr17-29657391-C-G.
Other names: p.Ser1875*; c.5624C>G, p.Ser1875Ter (NM_000267.4); short protein forms S1875*, S1896*.
Identifiers: ClinVar variation 431663 (VCV000431663.20), dbSNP rs1135402879, ClinGen allele CA399010257.